The following is an entry in ClinVar:

ClinVar aggregate classification (germline): Conflicting classifications of pathogenicity. Review status: criteria provided, conflicting classifications (1 of 4 stars). 3 submissions from 3 submitters: Likely pathogenic (1); Uncertain significance (2). Last evaluated 2025-07-31.

Conditions:
Hereditary cancer-predisposing syndrome. Also called: Neoplastic Syndromes, Hereditary; Tumor predisposition; Hereditary Cancer Syndrome; Hereditary neoplastic syndrome. Identifiers: Orphanet 140162, MedGen C0027672, MeSH D009386, MONDO:0015356.
Hereditary nonpolyposis colorectal neoplasms. Identifiers: MedGen C0009405, MeSH D003123.

Submissions (3):

Ambry Genetics
Classification: Likely pathogenic for Hereditary cancer-predisposing syndrome. Last evaluated: 2025-07-31. Review status: criteria provided, single submitter. Criteria: Ambry Variant Classification Scheme 2023. Collection method: clinical testing. Allele origin: germline.
Comment: The p.G108W variant (also known as c.322G>T), located in coding exon 4 of the PMS2 gene, results from a G to T substitution at nucleotide position 322. The glycine at codon 108 is replaced by tryptophan, an amino acid with highly dissimilar properties. This variant has been identified in a proband(s) whose Lynch syndrome-associated tumor demonstrated high microsatellite instability and/or loss of PMS2 expression by immunohistochemistry (Pearlman R et al. JAMA Oncol, 2017 Apr;3:464-471; Ambry internal data). This amino acid position is highly conserved in available vertebrate species. In addition, this alteration is predicted to be deleterious by in silico analysis. This variant is considered to be rare based on population cohorts in the Genome Aggregation Database (gnomAD). Based on the majority of available evidence to date, this variant is likely to be pathogenic.

Labcorp Genetics (formerly Invitae), Labcorp
Classification: Uncertain significance for Hereditary nonpolyposis colorectal neoplasms. Last evaluated: 2022-10-12. Review status: criteria provided, single submitter. Criteria: Invitae Variant Classification Sherloc (09022015). Collection method: clinical testing. Allele origin: germline.
Comment: This variant is not present in population databases (gnomAD no frequency). In summary, the available evidence is currently insufficient to determine the role of this variant in disease. Therefore, it has been classified as a Variant of Uncertain Significance. Advanced modeling of protein sequence and biophysical properties (such as structural, functional, and spatial information, amino acid conservation, physicochemical variation, residue mobility, and thermodynamic stability) performed at Invitae indicates that this missense variant is expected to disrupt PMS2 protein function. ClinVar contains an entry for this variant (Variation ID: 926913). This missense change has been observed in individual(s) with colon cancer (PMID: 27978560). This sequence change replaces glycine, which is neutral and non-polar, with tryptophan, which is neutral and slightly polar, at codon 108 of the PMS2 protein (p.Gly108Trp).

Color Diagnostics, LLC DBA Color Health
Classification: Uncertain significance for Hereditary cancer-predisposing syndrome. Last evaluated: 2019-08-26. Review status: criteria provided, single submitter. Criteria: ACMG Guidelines, 2015. Collection method: clinical testing. Allele origin: germline.
Comment: This missense variant replaces glycine with tryptophan at codon 108 of the PMS2 protein. Computational prediction tools and conservation analyses suggest that this variant may have deleterious impact on protein structure and function. Splice site prediction tools suggest that this variant may not impact RNA splicing. This variant has been reported in 1 individual affected with colorectal cancer (PMID: 27978560).This variant has not been identified in the general population by the Genome Aggregation Database (gnomAD). The available evidence is insufficient to determine the role of this variant in disease conclusively. Therefore, this variant is classified as a Variant of Uncertain Significance.

Literature cited by the submitters: PubMed 27978560 (cited by Ambry Genetics and Labcorp Genetics (formerly Invitae), Labcorp).

NM_000535.7(PMS2):c.322G>T (p.Gly108Trp)

Gene: PMS2 (PMS1 homolog 2, mismatch repair system component; minus strand). Cytogenetic location: 7p22.1.
Variant type: single nucleotide variant.
Coding change: c.322G>T on transcript NM_000535.7 (MANE Select); coding-DNA position 322, G replaced by T.
Protein change: p.Gly108Trp; replaces glycine 108 with tryptophan.
Molecular consequence: missense variant. On other transcripts: 5 prime UTR variant (9), non-coding transcript variant (1), intron variant (2).
Genome position (GRCh38, 1-based): chr7:6,003,721, C>A on the plus strand (G>T on the coding strand, the complement: PMS2 is on the minus strand). VCF-style: chr7-6003721-C-A. GRCh37 (hg19) VCF-style: chr7-6043352-C-A.
Other names: c.322G>T (NM_000535.5); c.-84G>T (NM_001322003.2, NM_001322004.2, NM_001322005.2 and 3 more transcripts); c.322G>T, p.Gly108Trp (NM_001322006.2, NM_001322014.2); c.-563G>T (NM_001322011.2, NM_001322012.2); c.-163G>T (NM_001322015.2); c.35+251G>T (NM_001322008.2, NM_001322007.2); short protein forms G108W.
Identifiers: ClinVar variation 926913 (VCV000926913.9), dbSNP rs750866397, ClinGen allele CA366744584.